The following is an entry in ClinVar:

ClinVar aggregate classification (germline): Uncertain significance. Review status: criteria provided, multiple submitters, no conflicts (2 of 4 stars). 2 submissions from 2 submitters: Uncertain significance (2). Last evaluated 2026-04-08.

Conditions:
Charcot-Marie-Tooth disease axonal type 2O. Also called: Charcot-Marie-Tooth Neuropathy Type 2O; Charcot-Marie-Tooth disease, axonal, type 20; CHARCOT-MARIE-TOOTH NEUROPATHY, AXONAL, TYPE 2O; CHARCOT-MARIE-TOOTH DISEASE, AXONAL, AUTOSOMAL DOMINANT, TYPE 2O. Identifiers: Orphanet 284232, MedGen C3280220, MONDO:0013644, OMIM 614228.

Submissions (2):

GeneDx
Classification: Uncertain significance. Last evaluated: 2026-04-08. Review status: criteria provided, single submitter. Criteria: GeneDx Variant Classification Process June 2021. Collection method: clinical testing. Allele origin: germline.
Comment: Not observed at significant frequency in large population cohorts (gnomAD); In silico analysis supports that this missense variant has a deleterious effect on protein structure/function; Has not been previously published as pathogenic or benign to our knowledge; This variant is associated with the following publications: (PMID: 25512093, 25609763, 26100331)

Labcorp Genetics (formerly Invitae), Labcorp
Classification: Uncertain significance for Charcot-Marie-Tooth disease axonal type 2O. Last evaluated: 2022-08-09. Review status: criteria provided, single submitter. Criteria: Invitae Variant Classification Sherloc (09022015). Collection method: clinical testing. Allele origin: germline.
Comment: In summary, the available evidence is currently insufficient to determine the role of this variant in disease. Therefore, it has been classified as a Variant of Uncertain Significance. Algorithms developed to predict the effect of missense changes on protein structure and function are either unavailable or do not agree on the potential impact of this missense change (SIFT: "Deleterious"; PolyPhen-2: "Possibly Damaging"; Align-GVGD: "Class C0"). This variant has not been reported in the literature in individuals affected with DYNC1H1-related conditions. This variant is not present in population databases (gnomAD no frequency). This sequence change replaces isoleucine, which is neutral and non-polar, with phenylalanine, which is neutral and non-polar, at codon 999 of the DYNC1H1 protein (p.Ile999Phe).

NM_001376.5(DYNC1H1):c.2995A>T (p.Ile999Phe)

Gene: DYNC1H1 (dynein cytoplasmic 1 heavy chain 1; plus strand). Cytogenetic location: 14q32.31.
Variant type: single nucleotide variant.
Coding change: c.2995A>T on transcript NM_001376.5 (MANE Select); coding-DNA position 2995, A replaced by T.
Protein change: p.Ile999Phe; replaces isoleucine 999 with phenylalanine.
Molecular consequence: missense variant.
Genome position (GRCh38, 1-based): chr14:101,991,653, A>T. VCF-style: chr14-101991653-A-T. GRCh37 (hg19) VCF-style: chr14-102457990-A-T.
Other names: short protein forms I999F.
Identifiers: ClinVar variation 2088380 (VCV002088380.5), dbSNP rs2503708482, ClinGen allele CA391030733.
Genomic context (GRCh38, chr14:101,991,653, plus strand): 5'-AGATACAAGCTGTATCAGGAAATGTTTGCCTGGAAGATGGTTGTACTGTCTCTCCCCAGG[A>T]TCCAGAGTCAGAGGTACCAGGTAAGCCTTTGGTGACTCGAGGCACACGCCTCTGACCAGG-3'
Protein context (NP_001367.2, residues 989-1009): WKMVVLSLPR[Ile999Phe]QSQRYQVGVH